The following is an entry in ClinVar:

ClinVar aggregate classification (germline): Likely benign (0 of 4 stars; one submission).

Conditions:
EFNB2-related disorder. Also called: EFNB2-related condition.

Allele frequency attached by ClinVar (database versions not stated): gnomAD 0.00001; TOPMed 0.00002.
gnomAD v4.1: 8 of 1,611,432 alleles (0.0005%); highest among the groups gnomAD compares: Middle Eastern, 0.033%; no homozygotes.

Submission:

PreventionGenetics, part of Exact Sciences
Classification: Likely benign for EFNB2-related condition. Last evaluated: 2019-02-26. Review status: no assertion criteria provided. Collection method: clinical testing. Allele origin: germline.
Comment: This variant is classified as likely benign based on ACMG/AMP sequence variant interpretation guidelines (Richards et al. 2015 PMID: 25741868, with internal and published modifications).

NM_004093.4(EFNB2):c.114G>T (p.Ser38=)

Gene: EFNB2 (ephrin B2; minus strand). Cytogenetic location: 13q33.3.
Variant type: single nucleotide variant.
Coding change: c.114G>T on transcript NM_004093.4 (MANE Select); coding-DNA position 114, G replaced by T.
Protein change: p.Ser38=; no amino-acid change (serine 38 retained).
Molecular consequence: synonymous variant.
Genome position (GRCh38, 1-based): chr13:106,534,851, C>A on the plus strand (G>T on the coding strand, the complement: EFNB2 is on the minus strand). VCF-style: chr13-106534851-C-A. GRCh37 (hg19) VCF-style: chr13-107187199-C-A.
Other names: c.114G>T, p.Ser38= (NM_001372056.1, NM_001372057.1, NM_001372058.1).
Identifiers: ClinVar variation 3057894 (VCV003057894.2), dbSNP rs958782701, ClinGen allele CA256639875.
Genomic context (GRCh38, chr13:106,534,851, plus strand): 5'-GGCGCGGCGGACCCCGGGGCGGGGACATAGGGGGATCGCGGACGCCACTTACTTGGAGTT[C>A]GAGGAATTCCAATAGATAGGCTCTAAAACTATCGATTTGGAAATCGCAGTTCTGCATAAA-3'
Protein context (NP_004084.1, residues 28-48): IVLEPIYWNS[Ser38=]NSKFLPGQGL